The following is an entry in ClinVar:

ClinVar aggregate classification (germline): Uncertain significance (1 of 4 stars; one submission).

Submission:

Labcorp Genetics (formerly Invitae), Labcorp
Classification: Uncertain significance. Last evaluated: 2022-02-24. Review status: criteria provided, single submitter. Criteria: Invitae Variant Classification Sherloc (09022015). Collection method: clinical testing. Allele origin: germline.
Comment: This variant has not been reported in the literature in individuals affected with IFT81-related conditions. This variant is a gross deletion of the genomic region encompassing exon(s) 11 of the IFT81 gene. This variant would be expected to be in-frame, preserving the integrity of the reading frame. Experimental studies and prediction algorithms are not available or were not evaluated, and the functional significance of this variant is currently unknown. In summary, the available evidence is currently insufficient to determine the role of this variant in disease. Therefore, it has been classified as a Variant of Uncertain Significance.

NC_000012.11:g.(?_110600724)_(110600870_?)del

Gene: IFT81 (intraflagellar transport 81; plus strand). Cytogenetic location: 12q24.11.
Variant type: Deletion.
Identifiers: ClinVar variation 1040889 (VCV001040889.6).